The following is an entry in ClinVar:

ClinVar aggregate classification (germline): Uncertain significance (1 of 4 stars; one submission).

Conditions:
Familial cold autoinflammatory syndrome 3 (FCAS3). Also called: FAMILIAL ATYPICAL COLD URTICARIA; ANTIBODY DEFICIENCY AND IMMUNE DYSREGULATION, PLCG2-ASSOCIATED. Identifiers: Orphanet 300359, MedGen C3280914, MONDO:0013766, OMIM 614468.

Allele frequency attached by ClinVar (database versions not stated): ExAC 0.00001; gnomAD 0.00001; gnomAD exomes 0.00001; TOPMed 0.00001.
gnomAD v4.1: 23 of 1,610,680 alleles (0.0014%); highest among the groups gnomAD compares: Non-Finnish European, 0.00034%; no homozygotes.

Submission:

Labcorp Genetics (formerly Invitae), Labcorp
Classification: Uncertain significance for Familial cold autoinflammatory syndrome 3. Last evaluated: 2025-04-24. Review status: criteria provided, single submitter. Criteria: Invitae Variant Classification Sherloc (09022015). Collection method: clinical testing. Allele origin: germline.
Comment: This sequence change falls in intron 29 of the PLCG2 gene. It does not directly change the encoded amino acid sequence of the PLCG2 protein. It affects a nucleotide within the consensus splice site. This variant is present in population databases (rs749335428, gnomAD 0.05%). This variant has not been reported in the literature in individuals affected with PLCG2-related conditions. ClinVar contains an entry for this variant (Variation ID: 2169446). Variants that disrupt the consensus splice site are a relatively common cause of aberrant splicing (PMID: 17576681, 9536098). Algorithms developed to predict the effect of sequence changes on RNA splicing suggest that this variant is not likely to affect RNA splicing. In summary, the available evidence is currently insufficient to determine the role of this variant in disease. Therefore, it has been classified as a Variant of Uncertain Significance.

Literature cited by the submitters: PubMed 17576681; PubMed 9536098.

NM_002661.5(PLCG2):c.3314-3C>T

Gene: PLCG2 (phospholipase C gamma 2; plus strand). Cytogenetic location: 16q23.3.
Variant type: single nucleotide variant.
Coding change: c.3314-3C>T on transcript NM_002661.5 (MANE Select); 3 bases into the intron before coding-DNA position 3314, C replaced by T.
Molecular consequence: intron variant.
Genome position (GRCh38, 1-based): chr16:81,939,889, C>T. VCF-style: chr16-81939889-C-T. GRCh37 (hg19) VCF-style: chr16-81973494-C-T.
Identifiers: ClinVar variation 2169446 (VCV002169446.4), dbSNP rs749335428, ClinGen allele CA8194687.
Genomic context (GRCh38, chr16:81,939,889, plus strand): 5'-GATTGTCTTACCAGAAGGGGGCAGCTCCAATGTGGCCTCTCATGAGCTTTGATCTCCTTC[C>T]AGATGATAATGGCCTCAGCCCTATCTGGGCTCCAACACAGGAGAAGGTGACATTTGAAAT-3'